The following is an entry in ClinVar:

NM_001365088.1(SLC12A6):c.381A>G (p.Glu127=)

Gene: SLC12A6 (solute carrier family 12 member 6; minus strand). Cytogenetic location: 15q14.
Variant type: single nucleotide variant.
Coding change: c.381A>G on transcript NM_001365088.1 (MANE Select); coding-DNA position 381, A replaced by G.
Protein change: p.Glu127=; no amino-acid change (glutamic acid 127 retained).
Molecular consequence: synonymous variant.
Genome position (GRCh38, 1-based): chr15:34,260,956, T>C on the plus strand (A>G on the coding strand, the complement: SLC12A6 is on the minus strand). VCF-style: chr15-34260956-T-C. GRCh37 (hg19) VCF-style: chr15-34553157-T-C.
Other names: c.204A>G, p.Glu68= (NM_001042494.2, NM_001042495.2); c.354A>G, p.Glu118= (NM_001042496.2); c.336A>G, p.Glu112= (NM_001042497.2); c.228A>G, p.Glu76= (NM_005135.2); c.381A>G, p.Glu127= (NM_133647.2).
Identifiers: ClinVar variation 682184 (VCV000682184.15), dbSNP rs567323663, ClinGen allele CA7464581.

ClinVar aggregate classification (germline): Likely benign. Review status: criteria provided, multiple submitters, no conflicts (2 of 4 stars). 5 submissions from 5 submitters: Likely benign (4). 1 of the submissions does not count toward it. Last evaluated 2026-01-28.

Conditions:
Inborn genetic diseases. Identifiers: MedGen C0950123, MeSH D030342.
Agenesis of the corpus callosum with peripheral neuropathy (ACCPN). Also called: CHARLEVOIX DISEASE; Hereditary Motor and Sensory Neuropathy with Agenesis of the Corpus Callosum; POLYNEUROPATHY, SENSORIMOTOR, WITH OR WITHOUT AGENESIS OF THE CORPUS CALLOSUM; HMSN/ACC. Identifiers: Orphanet 1496, MedGen C0795950, MONDO:0000902, OMIM 218000. Disease mechanism: loss of function.

Allele frequency attached by ClinVar (database versions not stated): gnomAD 0.00005 and 0.00006; gnomAD exomes 0.00005 and 0.00010; TOPMed 0.00006; ExAC 0.00013; 1000 Genomes Project 30x 0.00016; 1000 Genomes Project 0.00020.
gnomAD v4.1: 77 of 1,539,144 alleles (0.005%); highest among the groups gnomAD compares: Middle Eastern, 0.017%; no homozygotes.

Submissions (5):

Labcorp Genetics (formerly Invitae), Labcorp
Classification: Likely benign. Last evaluated: 2026-01-28. Review status: criteria provided, single submitter. Criteria: Invitae Variant Classification Sherloc (09022015). Collection method: clinical testing. Allele origin: germline.

Ambry Genetics
Classification: Likely benign for Inborn genetic diseases. Last evaluated: 2025-04-02. Review status: criteria provided, single submitter. Criteria: Ambry Variant Classification Scheme 2023. Collection method: clinical testing. Allele origin: germline.

Blueprint Genetics
Classification: Likely benign. Last evaluated: 2024-11-13. Review status: criteria provided, single submitter. Criteria: ACMG Guidelines, 2015. Collection method: clinical testing. Allele origin: germline.

GeneDx
Classification: Likely benign. Last evaluated: 2018-04-18. Review status: criteria provided, single submitter. Criteria: GeneDx Variant Classification (06012015). Collection method: clinical testing. Allele origin: germline. Affected: yes.
Comment: This variant is considered likely benign or benign based on one or more of the following criteria: it is a conservative change, it occurs at a poorly conserved position in the protein, it is predicted to be benign by multiple in silico algorithms, and/or has population frequency not consistent with disease.

Natera, Inc.
Classification: Uncertain significance for Andermann syndrome. Last evaluated: 2020-04-18. Review status: no assertion criteria provided. Collection method: clinical testing. Allele origin: germline. Not counted in ClinVar's aggregate classification.